The following is an entry in ClinVar:

NM_002354.3(EPCAM):c.574A>G (p.Thr192Ala)

Gene: EPCAM (epithelial cell adhesion molecule; plus strand). Cytogenetic location: 2p21.
Variant type: single nucleotide variant.
Coding change: c.574A>G on transcript NM_002354.3 (MANE Select); coding-DNA position 574, A replaced by G.
Protein change: p.Thr192Ala; replaces threonine 192 with alanine.
Molecular consequence: missense variant.
Genome position (GRCh38, 1-based): chr2:47,378,971, A>G. VCF-style: chr2-47378971-A-G. GRCh37 (hg19) VCF-style: chr2-47606110-A-G.
Other names: short protein forms T192A.
Identifiers: ClinVar variation 4018587 (VCV004018587.1).

ClinVar aggregate classification (germline): Uncertain significance (1 of 4 stars; one submission).

Conditions:
Hereditary cancer-predisposing syndrome. Also called: Tumor predisposition; Hereditary neoplastic syndrome; Neoplastic Syndromes, Hereditary; Hereditary Cancer Syndrome. Identifiers: Orphanet 140162, MedGen C0027672, MeSH D009386, MONDO:0015356.

Submission:

Ambry Genetics
Classification: Uncertain significance for Hereditary cancer-predisposing syndrome. Last evaluated: 2025-06-12. Review status: criteria provided, single submitter. Criteria: Ambry Variant Classification Scheme 2023. Collection method: clinical testing. Allele origin: germline.
Comment: The p.T192A variant (also known as c.574A>G), located in coding exon 6 of the EPCAM gene, results from an A to G substitution at nucleotide position 574. The threonine at codon 192 is replaced by alanine, an amino acid with similar properties. This amino acid position is conserved. In addition, this alteration is predicted to be tolerated by in silico analysis. Based on the available evidence, the clinical significance of this variant remains unclear.